The following is an entry in ClinVar:

NM_000218.3(KCNQ1):c.1553G>C (p.Arg518Pro)

Gene: KCNQ1 (potassium voltage-gated channel subfamily Q member 1; plus strand). Cytogenetic location: 11p15.5.
Variant type: single nucleotide variant.
Coding change: c.1553G>C on transcript NM_000218.3 (MANE Select); coding-DNA position 1553, G replaced by C.
Protein change: p.Arg518Pro; replaces arginine 518 with proline.
Molecular consequence: missense variant.
Genome position (GRCh38, 1-based): chr11:2,768,882, G>C. VCF-style: chr11-2768882-G-C. GRCh37 (hg19) VCF-style: chr11-2790112-G-C.
Other names: p.R518P:CGA>CCA; c.1553G>C (LRG_287t1); c.1457G>C, p.Arg486Pro (NM_001406836.1); c.1283G>C, p.Arg428Pro (NM_001406837.1); c.1013G>C, p.Arg338Pro (NM_001406838.1); c.1172G>C, p.Arg391Pro (NM_181798.2); short protein forms R518P, R391P, R486P, R338P, R428P.
Identifiers: ClinVar variation 52992 (VCV000052992.4), dbSNP rs145974930, ClinGen allele CA005909.
Genomic context (GRCh38, chr11:2,768,882, plus strand): 5'-TCCTCTCCTCTCTCCACTGCAGGCTGCGGGAACACCATCGGGCCACCATTAAGGTCATTC[G>C]ACGCATGCAGTACTTTGTGGCCAAGAAGAAATTCCAGGTAAGCCCTGTGCTGAGCCTTCC-3'
Protein context (NP_000209.2, residues 508-528): EHHRATIKVI[Arg518Pro]RMQYFVAKKK

ClinVar aggregate classification (germline): Uncertain significance. Review status: criteria provided, single submitter (1 of 4 stars). 2 submissions from 2 submitters: Uncertain significance (1). 1 of the submissions does not count toward it. Last evaluated 2018-04-06.

Conditions:
Familial long QT syndrome (RWS). Also called: Congenital long QT syndrome; Romano-Ward syndrome; VENTRICULAR FIBRILLATION WITH PROLONGED QT INTERVAL. Identifiers: Orphanet 768, MedGen C1141890, MONDO:0019171.

Submissions (2):

GeneDx
Classification: Uncertain significance. Last evaluated: 2018-04-06. Review status: criteria provided, single submitter. Criteria: GeneDx Variant Classification (06012015). Collection method: clinical testing. Allele origin: germline. Affected: yes.
Comment: The R518P variant of uncertain significance in the KCNQ1 gene has been reported previously in association with LQTS (Napolitano et al., 2005; Kapplinger et al., 2015); however, specific clinical and segregation information was not provided. The R518P variant is not observed in large population cohorts (Lek et al., 2016). The R518P variant is a non-conservative amino acid substitution, which is likely to impact secondary protein structure as these residues differ in polarity, charge, size and/or other properties. Furthermore, in-silico analyses, including protein predictors and evolutionary conservation, support a deleterious effect. Nevertheless, the R518P variant lacks observation in a significant number of affected individuals, segregation data, and functional evidence, which would further clarify its pathogenicity.

Cardiovascular Biomedical Research Unit, Royal Brompton & Harefield NHS Foundation Trust
No classification provided. Condition: Familial long QT syndrome. Review status: no classification provided. Collection method: literature only. Allele origin: germline. Not counted in ClinVar's aggregate classification.
Comment: This variant has been reported as associated with Long QT syndrome in the following publications (PMID:16414944). This is a literature report, and does not necessarily reflect the clinical interpretation of the Imperial College / Royal Brompton Cardiovascular Genetics laboratory.

Literature cited by the submitters: PubMed 16414944 (cited by Cardiovascular Biomedical Research Unit, Royal Brompton & Harefield NHS Foundation Trust); PubMed 22581653 (cited by Cardiovascular Biomedical Research Unit, Royal Brompton & Harefield NHS Foundation Trust).